The following is an entry in ClinVar:

NM_002900.3(RBP3):c.712G>A (p.Val238Met)

Gene: RBP3 (retinol binding protein 3; plus strand). Cytogenetic location: 10q11.22.
Variant type: single nucleotide variant.
Coding change: c.712G>A on transcript NM_002900.3 (MANE Select); coding-DNA position 712, G replaced by A.
Protein change: p.Val238Met; replaces valine 238 with methionine.
Molecular consequence: missense variant.
Genome position (GRCh38, 1-based): chr10:47,349,196, G>A. VCF-style: chr10-47349196-G-A. GRCh37 (hg19) VCF-style: chr10-48390166-C-T.
Other names: short protein forms V238M.
Identifiers: ClinVar variation 2201305 (VCV002201305.4), dbSNP rs782400425, ClinGen allele CA5487717.

ClinVar aggregate classification (germline): Uncertain significance. Review status: criteria provided, multiple submitters, no conflicts (2 of 4 stars). 2 submissions from 2 submitters: Uncertain significance (2). Last evaluated 2025-01-15.

Allele frequency attached by ClinVar (database versions not stated): TOPMed 0.00001; gnomAD exomes 0.00002; ExAC 0.00003.

Submissions (2):

Labcorp Genetics (formerly Invitae), Labcorp
Classification: Uncertain significance. Last evaluated: 2025-01-15. Review status: criteria provided, single submitter. Criteria: Invitae Variant Classification Sherloc (09022015). Collection method: clinical testing. Allele origin: germline.
Comment: This sequence change replaces valine, which is neutral and non-polar, with methionine, which is neutral and non-polar, at codon 238 of the RBP3 protein (p.Val238Met). This variant is present in population databases (rs782400425, gnomAD 0.02%). This variant has not been reported in the literature in individuals affected with RBP3-related conditions. ClinVar contains an entry for this variant (Variation ID: 2201305). Invitae Evidence Modeling of protein sequence and biophysical properties (such as structural, functional, and spatial information, amino acid conservation, physicochemical variation, residue mobility, and thermodynamic stability) indicates that this missense variant is not expected to disrupt RBP3 protein function with a negative predictive value of 80%. In summary, the available evidence is currently insufficient to determine the role of this variant in disease. Therefore, it has been classified as a Variant of Uncertain Significance.

Blueprint Genetics
Classification: Uncertain significance. Last evaluated: 2024-06-07. Review status: criteria provided, single submitter. Criteria: ACMG Guidelines, 2015. Collection method: clinical testing. Allele origin: germline.